The following is an entry in ClinVar:

NM_031885.5(BBS2):c.1080+2T>C

Gene: BBS2 (Bardet-Biedl syndrome 2; minus strand). Cytogenetic location: 16q13.
Variant type: single nucleotide variant.
Coding change: c.1080+2T>C on transcript NM_031885.5 (MANE Select); the canonical splice donor site of the intron after coding-DNA position 1080, T replaced by C.
Molecular consequence: splice donor variant.
Genome position (GRCh38, 1-based): chr16:56,502,315, A>G on the plus strand (T>C on the coding strand, the complement: BBS2 is on the minus strand). VCF-style: chr16-56502315-A-G. GRCh37 (hg19) VCF-style: chr16-56536227-A-G.
Other names: c.1080+2T>C (NM_001377456.1).
Identifiers: ClinVar variation 1066201 (VCV001066201.7), dbSNP rs771554923, ClinGen allele CA8065842.
Genomic context (GRCh38, chr16:56,502,315, plus strand): 5'-CCTCCCGGTCAGTCTCAACATTTCAGCCTCCATTACCTGGTCACATTAGGACCTACACCT[A>G]CCTTGGCATTTTCCTCATAGTTACGGAGTTCCAGCAACAGATTCTGCTTCTTCTGACTCA-3'

ClinVar aggregate classification (germline): Likely pathogenic (1 of 4 stars; one submission).

Conditions:
Bardet-Biedl syndrome (BBS). Identifiers: Orphanet 110, MedGen C0752166, MONDO:0015229.

Allele frequency attached by ClinVar (database versions not stated): gnomAD exomes below 0.00001 and 0.00001; ExAC 0.00001.
gnomAD v4.1: 2 of 1,614,040 alleles (0.00012%); highest among the groups gnomAD compares: Non-Finnish European, 0.00017%; no homozygotes.

Submission:

Labcorp Genetics (formerly Invitae), Labcorp
Classification: Likely pathogenic for Bardet-Biedl syndrome. Last evaluated: 2023-06-05. Review status: criteria provided, single submitter. Criteria: Invitae Variant Classification Sherloc (09022015). Collection method: clinical testing. Allele origin: germline.
Comment: Algorithms developed to predict the effect of sequence changes on RNA splicing suggest that this variant may disrupt the consensus splice site. This sequence change affects a donor splice site in intron 9 of the BBS2 gene. It is expected to disrupt RNA splicing. Variants that disrupt the donor or acceptor splice site typically lead to a loss of protein function (PMID: 16199547), and loss-of-function variants in BBS2 are known to be pathogenic (PMID: 11285252, 20177705, 24608809, 26518167). This variant is present in population databases (rs771554923, gnomAD 0.002%). This variant has not been reported in the literature in individuals affected with BBS2-related conditions. ClinVar contains an entry for this variant (Variation ID: 1066201). In summary, the currently available evidence indicates that the variant is pathogenic, but additional data are needed to prove that conclusively. Therefore, this variant has been classified as Likely Pathogenic.

Literature cited by the submitters: PubMed 16199547; PubMed 11285252; PubMed 20177705; PubMed 24608809; PubMed 26518167.